The following is an entry in ClinVar:

NM_145261.4(DNAJC19):c.331G>A (p.Glu111Lys)

Gene: DNAJC19 (DnaJ heat shock protein family (Hsp40) member C19; minus strand). Cytogenetic location: 3q26.33.
Variant type: single nucleotide variant.
Coding change: c.331G>A on transcript NM_145261.4 (MANE Select); coding-DNA position 331, G replaced by A.
Protein change: p.Glu111Lys; replaces glutamic acid 111 with lysine.
Molecular consequence: missense variant. On other transcripts: non-coding transcript variant (4).
Genome position (GRCh38, 1-based): chr3:180,984,660, C>T on the plus strand (G>A on the coding strand, the complement: DNAJC19 is on the minus strand). VCF-style: chr3-180984660-C-T. GRCh37 (hg19) VCF-style: chr3-180702448-C-T.
Other names: c.256G>A, p.Glu86Lys (NM_001190233.2); short protein forms E111K, E86K.
Identifiers: ClinVar variation 2169935 (VCV002169935.4), dbSNP rs370042988, ClinGen allele CA2717043.

ClinVar aggregate classification (germline): Uncertain significance (1 of 4 stars; one submission).

Conditions:
3-methylglutaconic aciduria type 5. Also called: CARDIOMYOPATHY, DILATED, WITH ATAXIA; MGA, TYPE V; 3 alpha methylglutaconic aciduria type V; MGA 5. Identifiers: Orphanet 66634, MedGen C1857776, MONDO:0012435, OMIM 610198.

gnomAD v4.1: 9 of 1,607,842 alleles (0.00056%); highest among the groups gnomAD compares: Non-Finnish European, 0.0006%; no homozygotes.

Submission:

Labcorp Genetics (formerly Invitae), Labcorp
Classification: Uncertain significance for 3-methylglutaconic aciduria type 5. Last evaluated: 2022-01-23. Review status: criteria provided, single submitter. Criteria: Invitae Variant Classification Sherloc (09022015). Collection method: clinical testing. Allele origin: germline.
Comment: This sequence change replaces glutamic acid, which is acidic and polar, with lysine, which is basic and polar, at codon 111 of the DNAJC19 protein (p.Glu111Lys). In summary, the available evidence is currently insufficient to determine the role of this variant in disease. Therefore, it has been classified as a Variant of Uncertain Significance. Algorithms developed to predict the effect of missense changes on protein structure and function (SIFT, PolyPhen-2, Align-GVGD) all suggest that this variant is likely to be tolerated. This variant has not been reported in the literature in individuals affected with DNAJC19-related conditions. This variant is present in population databases (rs370042988, gnomAD 0.003%).